The following is an entry in ClinVar:

ClinVar aggregate classification (germline): Uncertain significance (1 of 4 stars; one submission).

Conditions:
Werner syndrome (WRN). Identifiers: Orphanet 902, MedGen C0043119, MONDO:0010196, OMIM 277700.

Allele frequency attached by ClinVar (database versions not stated): TOPMed below 0.00001; gnomAD 0.00001.
gnomAD v4.1: 5 of 1,613,686 alleles (0.00031%); highest among the groups gnomAD compares: Non-Finnish European, 0.00042%; no homozygotes.

Submission:

Labcorp Genetics (formerly Invitae), Labcorp
Classification: Uncertain significance for Werner syndrome. Last evaluated: 2023-09-26. Review status: criteria provided, single submitter. Criteria: Invitae Variant Classification Sherloc (09022015). Collection method: clinical testing. Allele origin: germline.
Comment: This sequence change replaces threonine, which is neutral and polar, with serine, which is neutral and polar, at codon 174 of the WRN protein (p.Thr174Ser). This variant is not present in population databases (gnomAD no frequency). This variant has not been reported in the literature in individuals affected with WRN-related conditions. ClinVar contains an entry for this variant (Variation ID: 1027160). An algorithm developed to predict the effect of missense changes on protein structure and function (PolyPhen-2) suggests that this variant is likely to be tolerated. In summary, the available evidence is currently insufficient to determine the role of this variant in disease. Therefore, it has been classified as a Variant of Uncertain Significance.

NM_000553.6(WRN):c.521C>G (p.Thr174Ser)

Gene: WRN (WRN RecQ like helicase; plus strand). Cytogenetic location: 8p12.
Variant type: single nucleotide variant.
Coding change: c.521C>G on transcript NM_000553.6 (MANE Select); coding-DNA position 521, C replaced by G.
Protein change: p.Thr174Ser; replaces threonine 174 with serine.
Molecular consequence: missense variant.
Genome position (GRCh38, 1-based): chr8:31,067,049, C>G. VCF-style: chr8-31067049-C-G. GRCh37 (hg19) VCF-style: chr8-30924565-C-G.
Other names: short protein forms T174S.
Identifiers: ClinVar variation 1027160 (VCV001027160.5), dbSNP rs1318427246, ClinGen allele CA370915882.
Genomic context (GRCh38, chr8:31,067,049, plus strand): 5'-AAACAGGAACTGATTTTACTGTGTTGCTTTTTCATCATTTCTAGCTGAAATGCACAGAGA[C>G]CTGGAGCCTTAACAGTCTGGTTAAACACCTCTTAGGTAAACAGCTCCTGAAAGACAAGTC-3'
Protein context (NP_000544.2, residues 164-184): VANKKLKCTE[Thr174Ser]WSLNSLVKHL